The following is an entry in ClinVar:

NM_005228.5(EGFR):c.2268C>A (p.Asn756Lys)

Gene: EGFR (epidermal growth factor receptor; plus strand). Cytogenetic location: 7p11.2.
Variant type: single nucleotide variant.
Coding change: c.2268C>A on transcript NM_005228.5 (MANE Select); coding-DNA position 2268, C replaced by A.
Protein change: p.Asn756Lys; replaces asparagine 756 with lysine.
Molecular consequence: missense variant.
Genome position (GRCh38, 1-based): chr7:55,174,805, C>A. VCF-style: chr7-55174805-C-A. GRCh37 (hg19) VCF-style: chr7-55242498-C-A.
Other names: c.2133C>A, p.Asn711Lys (NM_001346897.2, NM_001346899.2); c.2268C>A, p.Asn756Lys (NM_001346898.2); c.2109C>A, p.Asn703Lys (NM_001346900.2); c.1467C>A, p.Asn489Lys (NM_001346941.2); short protein forms N703K, N756K, N489K, N711K.
Identifiers: ClinVar variation 4824473 (VCV004824473.1).

ClinVar aggregate classification (germline): Uncertain significance (1 of 4 stars; one submission).

Conditions:
Hereditary cancer-predisposing syndrome. Also called: Neoplastic Syndromes, Hereditary; Hereditary neoplastic syndrome; Tumor predisposition; Hereditary Cancer Syndrome. Identifiers: Orphanet 140162, MedGen C0027672, MeSH D009386, MONDO:0015356.

Submission:

Ambry Genetics
Classification: Uncertain significance for Hereditary cancer-predisposing syndrome. Last evaluated: 2026-02-04. Review status: criteria provided, single submitter. Criteria: Ambry Variant Classification Scheme 2023. Collection method: clinical testing. Allele origin: germline.
Comment: The p.N756K variant (also known as c.2268C>A), located in coding exon 19 of the EGFR gene, results from a C to A substitution at nucleotide position 2268. The asparagine at codon 756 is replaced by lysine, an amino acid with similar properties. This amino acid position is highly conserved in available vertebrate species. In addition, this alteration is predicted to be tolerated by in silico analysis. Based on the available evidence, the clinical significance of this variant remains unclear.